The following is an entry in ClinVar:

NC_000010.10:g.(?_74322633)_(74326551_?)dup

Gene: MICU1 (mitochondrial calcium uptake 1; minus strand). Cytogenetic location: 10q22.1.
Variant type: Duplication.
Identifiers: ClinVar variation 2425508 (VCV002425508.4).

ClinVar aggregate classification (germline): Uncertain significance (1 of 4 stars; one submission).

Submission:

Labcorp Genetics (formerly Invitae), Labcorp
Classification: Uncertain significance. Last evaluated: 2022-06-14. Review status: criteria provided, single submitter. Criteria: Invitae Variant Classification Sherloc (09022015). Collection method: clinical testing. Allele origin: germline.
Comment: This variant has not been reported in the literature in individuals affected with MICU1-related conditions. In summary, the available evidence is currently insufficient to determine the role of this variant in disease. Therefore, it has been classified as a Variant of Uncertain Significance. Experimental studies and prediction algorithms are not available or were not evaluated, and the functional significance of this variant is currently unknown. This variant results in a copy number gain of the genomic region encompassing exon(s) 2-3 of the MICU1 gene. This region includes the initiator codon of the gene. This copy number gain extends beyond the assayed region for this gene and therefore may encompass additional genes. As the precise location of this event is unknown, it may be in tandem or it may be located elsewhere in the genome.